The following is an entry in ClinVar:

ClinVar aggregate classification (germline): Conflicting classifications of pathogenicity. Review status: criteria provided, conflicting classifications (1 of 4 stars). 2 submissions from 2 submitters: Uncertain significance (1); Likely benign (1). Last evaluated 2023-03-23.

Conditions:
Hereditary cancer-predisposing syndrome. Also called: Hereditary neoplastic syndrome; Neoplastic Syndromes, Hereditary; Tumor predisposition; Hereditary Cancer Syndrome. Identifiers: Orphanet 140162, MedGen C0027672, MeSH D009386, MONDO:0015356.

Submissions (2):

University of Washington Department of Laboratory Medicine, University of Washington
Classification: Likely benign for Hereditary cancer-predisposing syndrome. Last evaluated: 2023-03-23. Review status: criteria provided, single submitter. Criteria: Dines et al. (Genet Med. 2020). Collection method: curation. Allele origin: germline.
Comment: Missense variant in a coldspot region where missense variants are very unlikely to be pathogenic (PMID:31911673).

BRCA2 exon 11 coldspot. Reclassification based on statistical prior probability.

GeneDx
Classification: Uncertain significance. Last evaluated: 2019-07-17. Review status: criteria provided, single submitter. Criteria: GeneDx Variant Classification Process June 2021. Collection method: clinical testing. Allele origin: germline. Affected: yes.
Comment: Not observed in large population cohorts (Lek 2016); In silico analysis, which includes protein predictors and evolutionary conservation, supports a deleterious effect; Has not been previously published as pathogenic or benign to our knowledge; Also known as BRCA2 4365G>C using alternate nomenclature

NM_000059.4(BRCA2):c.4137G>C (p.Gln1379His)

Gene: BRCA2 (BRCA2 DNA repair associated; plus strand). Cytogenetic location: 13q13.1.
Variant type: single nucleotide variant.
Coding change: c.4137G>C on transcript NM_000059.4 (MANE Select); coding-DNA position 4137, G replaced by C.
Protein change: p.Gln1379His; replaces glutamine 1379 with histidine.
Molecular consequence: missense variant.
Genome position (GRCh38, 1-based): chr13:32,338,492, G>C. VCF-style: chr13-32338492-G-C. GRCh37 (hg19) VCF-style: chr13-32912629-G-C.
Other names: short protein forms Q1379H.
Identifiers: ClinVar variation 1317005 (VCV001317005.4), dbSNP rs768918982, ClinGen allele CA387779398.
Genomic context (GRCh38, chr13:32,338,492, plus strand): 5'-TGATCAGCACAACATATGTCTTAAATTATCTGGCCAGTTTATGAAGGAGGGAAACACTCA[G>C]ATTAAAGAAGATTTGTCAGATTTAACTTTTTTGGAAGTTGCGAAAGCTCAAGAAGCATGT-3'
Protein context (NP_000050.3, residues 1369-1389): SGQFMKEGNT[Gln1379His]IKEDLSDLTF